The following is an entry in ClinVar:

NM_006227.4(PLTP):c.830T>G (p.Met277Arg)

Gene: PLTP (phospholipid transfer protein; minus strand). Cytogenetic location: 20q13.12.
Variant type: single nucleotide variant.
Coding change: c.830T>G on transcript NM_006227.4 (MANE Select); coding-DNA position 830, T replaced by G.
Protein change: p.Met277Arg; replaces methionine 277 with arginine.
Molecular consequence: missense variant.
Genome position (GRCh38, 1-based): chr20:45,904,994, A>C on the plus strand (T>G on the coding strand, the complement: PLTP is on the minus strand). VCF-style: chr20-45904994-A-C. GRCh37 (hg19) VCF-style: chr20-44533633-A-C.
Other names: c.545T>G, p.Met182Arg (NM_001242920.2); c.566T>G, p.Met189Arg (NM_001242921.1); c.674T>G, p.Met225Arg (NM_182676.3); short protein forms M189R, M182R, M225R, M277R.
Identifiers: ClinVar variation 4716753 (VCV004716753.1).
Genomic context (GRCh38, chr20:45,904,994, plus strand): 5'-TGACATACCTTGTCCCCCACCAGCAACAGCTGCAGGGCCCCCGCCCGGAAGTAGCTCTCC[A>C]TGGCAGAGTCGAAGAAGAACTCAGAGAAGGCCACATACACCATCCGCTCTTCCTCCTGCA-3'
Protein context (NP_006218.1, residues 267-287): AFSEFFFDSA[Met277Arg]ESYFRAGALQ

ClinVar aggregate classification (germline): Uncertain significance (1 of 4 stars; one submission).

gnomAD v4.1: 1 of 1,614,206 alleles (0.000062%); highest among the groups gnomAD compares: South Asian, 0.0011%; no homozygotes.

Submission:

Labcorp Genetics (formerly Invitae), Labcorp
Classification: Uncertain significance. Last evaluated: 2025-04-23. Review status: criteria provided, single submitter. Criteria: Invitae Variant Classification Sherloc (09022015). Collection method: clinical testing. Allele origin: germline.
Comment: This sequence change replaces methionine, which is neutral and non-polar, with arginine, which is basic and polar, at codon 277 of the PLTP protein (p.Met277Arg). This variant is not present in population databases (gnomAD no frequency). This variant has not been reported in the literature in individuals affected with PLTP-related conditions. An algorithm developed to predict the effect of missense changes on protein structure and function (PolyPhen-2) suggests that this variant is likely to be disruptive. In summary, the available evidence is currently insufficient to determine the role of this variant in disease. Therefore, it has been classified as a Variant of Uncertain Significance.